The following is an entry in ClinVar:

ClinVar aggregate classification (germline): Uncertain significance (1 of 4 stars; one submission).

Conditions:
Inborn genetic diseases. Identifiers: MedGen C0950123, MeSH D030342.

Allele frequency attached by ClinVar (database versions not stated): TOPMed below 0.00001.

Submission:

Ambry Genetics
Classification: Uncertain significance for Inborn genetic diseases. Last evaluated: 2024-07-03. Review status: criteria provided, single submitter. Criteria: Ambry Variant Classification Scheme 2023. Collection method: clinical testing. Allele origin: germline.
Comment: The p.M684L variant (also known as c.2050A>T), located in coding exon 17 of the LRRK2 gene, results from an A to T substitution at nucleotide position 2050. The methionine at codon 684 is replaced by leucine, an amino acid with highly similar properties. This amino acid position is conserved. In addition, this alteration is predicted to be tolerated by in silico analysis. Since supporting evidence is limited at this time, the clinical significance of this alteration remains unclear.

NM_198578.4(LRRK2):c.2050A>T (p.Met684Leu)

Gene: LRRK2 (leucine rich repeat kinase 2; plus strand). Cytogenetic location: 12q12.
Variant type: single nucleotide variant.
Coding change: c.2050A>T on transcript NM_198578.4 (MANE Select); coding-DNA position 2050, A replaced by T.
Protein change: p.Met684Leu; replaces methionine 684 with leucine.
Molecular consequence: missense variant.
Genome position (GRCh38, 1-based): chr12:40,277,996, A>T. VCF-style: chr12-40277996-A-T. GRCh37 (hg19) VCF-style: chr12-40671798-A-T.
Other names: short protein forms M684L.
Identifiers: ClinVar variation 1785064 (VCV001785064.3), dbSNP rs1943532621, ClinGen allele CA384404727.